The following is an entry in ClinVar:

NC_000022.11:g.20354638C>T

Variant type: single nucleotide variant.
Genome position: GRCh38 VCF-style: chr22-20354638-C-T. GRCh37 (hg19) VCF-style: chr22-20708928-C-T.
Identifiers: ClinVar variation 4280891 (VCV004280891.7).

ClinVar aggregate classification (germline): Likely benign (1 of 4 stars; one submission).

Submission:

CeGaT Center for Human Genetics Tuebingen
Classification: Likely benign. Last evaluated: 2026-01-01. Review status: criteria provided, single submitter. Criteria: CeGaT Center For Human Genetics Tuebingen Variant Classification Criteria Version 2. Collection method: clinical testing. Allele origin: germline. Affected: yes. Observed: 2 variant alleles.
Comment: FAM230A: BP4, BP7